The following is an entry in ClinVar:

NM_000455.5(STK11):c.39G>A (p.Thr13=)

Gene: STK11 (serine/threonine kinase 11; plus strand). Cytogenetic location: 19p13.3.
Variant type: single nucleotide variant.
Coding change: c.39G>A on transcript NM_000455.5 (MANE Select); coding-DNA position 39, G replaced by A.
Protein change: p.Thr13=; no amino-acid change (threonine 13 retained).
Molecular consequence: synonymous variant.
Genome position (GRCh38, 1-based): chr19:1,206,952, G>A. VCF-style: chr19-1206952-G-A. GRCh37 (hg19) VCF-style: chr19-1206951-G-A.
Identifiers: ClinVar variation 649016 (VCV000649016.13), dbSNP rs765330434, ClinGen allele CA047507.

ClinVar aggregate classification (germline): Benign/Likely benign. Review status: criteria provided, multiple submitters, no conflicts (2 of 4 stars). 4 submissions from 4 submitters: Benign (1); Likely benign (3). Last evaluated 2025-03-24.

Conditions:
Hereditary cancer-predisposing syndrome. Also called: Hereditary Cancer Syndrome; Tumor predisposition; Neoplastic Syndromes, Hereditary; Hereditary neoplastic syndrome. Identifiers: Orphanet 140162, MedGen C0027672, MeSH D009386, MONDO:0015356.
Peutz-Jeghers syndrome (PJS). Also called: POLYPOSIS, HAMARTOMATOUS INTESTINAL; POLYPS-AND-SPOTS SYNDROME; Peutz-Jeghers polyposis; Periorificial lentiginosis syndrome. Identifiers: Orphanet 2869, MedGen C0031269, MeSH D010580, MONDO:0008280, OMIM 175200.

Allele frequency attached by ClinVar (database versions not stated): gnomAD exomes below 0.00001 and 0.00001; gnomAD 0.00001; TOPMed 0.00001; ExAC 0.00004.
gnomAD v4.1: 7 of 1,605,650 alleles (0.00044%); highest among the groups gnomAD compares: Non-Finnish European, 0.00051%; no homozygotes.

Submissions (4):

Myriad Genetics, Inc.
Classification: Benign for Peutz-Jeghers syndrome. Last evaluated: 2025-03-24. Review status: criteria provided, single submitter. Criteria: Myriad Autosomal Dominant, Autosomal Recessive and X-Linked Classification Criteria (2023). Collection method: clinical testing. Allele origin: unknown.
Comment: This variant is considered benign. This variant is a silent/synonymous amino acid change and it is not expected to impact splicing.

Labcorp Genetics (formerly Invitae), Labcorp
Classification: Likely benign for Peutz-Jeghers syndrome. Last evaluated: 2024-01-24. Review status: criteria provided, single submitter. Criteria: Invitae Variant Classification Sherloc (09022015). Collection method: clinical testing. Allele origin: germline.

All of Us Research Program, National Institutes of Health
Classification: Likely benign for Peutz-Jeghers syndrome. Last evaluated: 2023-11-20. Review status: criteria provided, single submitter. Criteria: ACMG Guidelines, 2015. Collection method: clinical testing. Allele origin: germline. Inheritance: Autosomal dominant inheritance. Observed: 1 variant allele, 1 heterozygote.
Comment: This study involves interpretation of variants in research participants for the purpose of population health screening. Participant phenotype was not available at the time of variant classification. Additional details can be found in publication PMID: 35346344, PMCID: PMC8962531

Ambry Genetics
Classification: Likely benign for Hereditary cancer-predisposing syndrome. Last evaluated: 2021-07-09. Review status: criteria provided, single submitter. Criteria: Ambry Variant Classification Scheme 2023. Collection method: clinical testing. Allele origin: germline.